The following is an entry in ClinVar:

ClinVar aggregate classification (germline): Uncertain significance (1 of 4 stars; one submission).

Conditions:
Duchenne muscular dystrophy (DMD). Also called: MUSCULAR DYSTROPHY, PSEUDOHYPERTROPHIC PROGRESSIVE, DUCHENNE TYPE; Duchenne Muscular Dystrophy (DMD). Identifiers: Orphanet 98896, MedGen C0013264, MONDO:0010679, OMIM 310200.

Submission:

Labcorp Genetics (formerly Invitae), Labcorp
Classification: Uncertain significance for Duchenne muscular dystrophy. Last evaluated: 2023-06-23. Review status: criteria provided, single submitter. Criteria: Invitae Variant Classification Sherloc (09022015). Collection method: clinical testing. Allele origin: germline.
Comment: This variant is not present in population databases (gnomAD no frequency). This sequence change replaces phenylalanine, which is neutral and non-polar, with leucine, which is neutral and non-polar, at codon 1347 of the DMD protein (p.Phe1347Leu). This variant has not been reported in the literature in individuals affected with DMD-related conditions. Advanced modeling of protein sequence and biophysical properties (such as structural, functional, and spatial information, amino acid conservation, physicochemical variation, residue mobility, and thermodynamic stability) performed at Invitae indicates that this missense variant is not expected to disrupt DMD protein function. In summary, the available evidence is currently insufficient to determine the role of this variant in disease. Therefore, it has been classified as a Variant of Uncertain Significance.

NM_004006.3(DMD):c.4039T>C (p.Phe1347Leu)

Gene: DMD (dystrophin; minus strand). Cytogenetic location: Xp21.1.
Variant type: single nucleotide variant.
Coding change: c.4039T>C on transcript NM_004006.3 (MANE Select); coding-DNA position 4039, T replaced by C.
Protein change: p.Phe1347Leu; replaces phenylalanine 1347 with leucine.
Molecular consequence: missense variant.
Genome position (GRCh38, 1-based): chrX:32,438,273, A>G on the plus strand (T>C on the coding strand, the complement: DMD is on the minus strand). VCF-style: chrX-32438273-A-G. GRCh37 (hg19) VCF-style: chrX-32456390-A-G.
Other names: c.4015T>C, p.Phe1339Leu (NM_000109.4); c.4027T>C, p.Phe1343Leu (NM_004009.3); c.3670T>C, p.Phe1224Leu (NM_004010.3); short protein forms F1224L, F1339L, F1347L, F1343L.
Identifiers: ClinVar variation 2765861 (VCV002765861.3), dbSNP rs2524072023, ClinGen allele CA412669270.